The following is an entry in ClinVar:

NM_002317.7(LOX):c.334G>A (p.Val112Ile)

Genes: LOX (lysyl oxidase; minus strand), SRFBP1 (serum response factor binding protein 1; plus strand). Cytogenetic location: 5q23.1.
Variant type: single nucleotide variant.
Coding change: c.334G>A on transcript NM_002317.7 (MANE Select); coding-DNA position 334, G replaced by A.
Protein change: p.Val112Ile; replaces valine 112 with isoleucine.
Molecular consequence: missense variant.
Genome position (GRCh38, 1-based): chr5:122,077,652, C>T on the plus strand (G>A on the coding strand, the complement: LOX is on the minus strand). VCF-style: chr5-122077652-C-T. GRCh37 (hg19) VCF-style: chr5-121413347-C-T.
Other names: short protein forms V112I.
Identifiers: ClinVar variation 3664916 (VCV003664916.2).

ClinVar aggregate classification (germline): Uncertain significance (1 of 4 stars; one submission).

Submission:

Labcorp Genetics (formerly Invitae), Labcorp
Classification: Uncertain significance. Last evaluated: 2024-09-06. Review status: criteria provided, single submitter. Criteria: Invitae Variant Classification Sherloc (09022015). Collection method: clinical testing. Allele origin: germline.
Comment: This sequence change replaces valine, which is neutral and non-polar, with isoleucine, which is neutral and non-polar, at codon 112 of the LOX protein (p.Val112Ile). This variant is not present in population databases (gnomAD no frequency). This variant has not been reported in the literature in individuals affected with LOX-related conditions. Invitae Evidence Modeling of protein sequence and biophysical properties (such as structural, functional, and spatial information, amino acid conservation, physicochemical variation, residue mobility, and thermodynamic stability) indicates that this missense variant is not expected to disrupt LOX protein function with a negative predictive value of 80%. In summary, the available evidence is currently insufficient to determine the role of this variant in disease. Therefore, it has been classified as a Variant of Uncertain Significance.